The following is an entry in ClinVar:

ClinVar aggregate classification (germline): Uncertain significance (1 of 4 stars; one submission).

Submission:

Labcorp Genetics (formerly Invitae), Labcorp
Classification: Uncertain significance. Last evaluated: 2025-11-23. Review status: criteria provided, single submitter. Criteria: Invitae Variant Classification Sherloc (09022015). Collection method: clinical testing. Allele origin: germline.
Comment: This variant, c.800_802dup, results in the insertion of 1 amino acid(s) of the MKL1 protein (p.Gln267dup), but otherwise preserves the integrity of the reading frame. This variant is not present in population databases (gnomAD no frequency). This variant has not been reported in the literature in individuals affected with MKL1-related conditions. In summary, the available evidence is currently insufficient to determine the role of this variant in disease. Therefore, it has been classified as a Variant of Uncertain Significance.

NM_020831.6(MRTFA):c.1091AGC[5] (p.Gln367_Leu368insGln)

Gene: MRTFA (myocardin related transcription factor A; minus strand). Cytogenetic location: 22q13.1.
Variant type: Microsatellite.
Coding change: c.1091AGC[5] on transcript NM_020831.6 (MANE Select); five copies in a row of the 3-base unit AGC starting at c.1091; the reference has four copies in a row; one copy, 3 bases duplicated.
Protein change: p.Gln367_Leu368insGln.
Genome position (GRCh38, 1-based): chr22:40,420,926-40,420,928, GCT duplicated on the plus strand (AGC on the coding strand, the reverse complement: MRTFA is on the minus strand); duplicating any 3 consecutive bases within chr22:40,420,926-40,420,939 gives the same sequence; the position shown is the placement nearest the transcript's 3' end. VCF-style (leftmost placement, unchanged base first): chr22-40420925-A-AGCT. GRCh37 (hg19) VCF-style: chr22-40816929-A-AGCT.
Other names: c.791AGC[5], p.Gln267_Leu268insGln (NM_001282660.2); c.941AGC[5], p.Gln317_Leu318insGln (NM_001282661.3); c.1091AGC[5], p.Gln367_Leu368insGln (NM_001282662.3); c.896AGC[5], p.Gln302_Leu303insGln (NM_001318139.2).
Identifiers: ClinVar variation 4765547 (VCV004765547.1).